The following is an entry in ClinVar:

ClinVar aggregate classification (germline): Uncertain significance (1 of 4 stars; one submission).

Conditions:
Polycystic kidney disease, adult type (PKD1). Also called: Polycystic Kidney Disease 1, Autosomal Dominant; Polycystic kidney disease 1; Polycystic kidney disease 1, severe; Polycystic Kidney, Autosomal Dominant; POLYCYSTIC KIDNEY DISEASE 1 WITH OR WITHOUT POLYCYSTIC LIVER DISEASE; POLYCYSTIC KIDNEY DISEASE, ADULT, TYPE I. Identifiers: MedGen C3149841, MONDO:0008263, OMIM 173900.

Submission:

MVZ Medizinische Genetik Mainz
Classification: Uncertain significance for Polycystic kidney disease, adult type. Last evaluated: 2025-05-30. Review status: criteria provided, single submitter. Criteria: UK Practice Guidelines For Variant Classification V4 01 2020. Collection method: clinical testing. Allele origin: germline. Inheritance: Autosomal dominant inheritance. Affected: yes. Observed: 1 variant allele.
Comment: ACMG Criteria: PP3_MOD,PM2_SUP,PP4

NM_001009944.3(PKD1):c.8552T>A (p.Met2851Lys)

Gene: PKD1 (polycystin 1, transient receptor potential channel interacting; minus strand). Cytogenetic location: 16p13.3.
Variant type: single nucleotide variant.
Coding change: c.8552T>A on transcript NM_001009944.3 (MANE Select); coding-DNA position 8552, T replaced by A.
Protein change: p.Met2851Lys; replaces methionine 2851 with lysine.
Molecular consequence: missense variant.
Genome position (GRCh38, 1-based): chr16:2,103,505, A>T on the plus strand (T>A on the coding strand, the complement: PKD1 is on the minus strand). VCF-style: chr16-2103505-A-T. GRCh37 (hg19) VCF-style: chr16-2153506-A-T.
Other names: c.8552T>A, p.Met2851Lys (NM_000296.4); short protein forms M2851K.
Identifiers: ClinVar variation 3907660 (VCV003907660.1).